The following is an entry in ClinVar:

ClinVar aggregate classification (germline): Uncertain significance. Review status: criteria provided, multiple submitters, no conflicts (2 of 4 stars). 2 submissions from 2 submitters: Uncertain significance (2). Last evaluated 2025-08-04.

Allele frequency attached by ClinVar (database versions not stated): gnomAD 0.00001; gnomAD exomes 0.00001; TOPMed 0.00001; ExAC 0.00003.
gnomAD v4.1: 10 of 1,588,734 alleles (0.00063%); highest among the groups gnomAD compares: Admixed American, 0.0018%; no homozygotes.

Submissions (2):

Labcorp Genetics (formerly Invitae), Labcorp
Classification: Uncertain significance. Last evaluated: 2025-08-04. Review status: criteria provided, single submitter. Criteria: Invitae Variant Classification Sherloc (09022015). Collection method: clinical testing. Allele origin: germline.
Comment: This sequence change replaces arginine, which is basic and polar, with glutamine, which is neutral and polar, at codon 1020 of the ARHGEF18 protein (p.Arg1020Gln). The frequency data for this variant in the population databases is considered unreliable, as metrics indicate poor data quality at this position in the gnomAD database. This variant has not been reported in the literature in individuals affected with ARHGEF18-related conditions. ClinVar contains an entry for this variant (Variation ID: 1490991). An algorithm developed to predict the effect of missense changes on protein structure and function (PolyPhen-2) suggests that this variant is likely to be disruptive. In summary, the available evidence is currently insufficient to determine the role of this variant in disease. Therefore, it has been classified as a Variant of Uncertain Significance.

Blueprint Genetics
Classification: Uncertain significance. Last evaluated: 2020-09-04. Review status: criteria provided, single submitter. Criteria: ACMG Guidelines, 2015. Collection method: clinical testing. Allele origin: germline.

NM_001367823.1(ARHGEF18):c.3623G>A (p.Arg1208Gln)

Gene: ARHGEF18 (Rho/Rac guanine nucleotide exchange factor 18; plus strand). Cytogenetic location: 19p13.2.
Variant type: single nucleotide variant.
Coding change: c.3623G>A on transcript NM_001367823.1 (MANE Select); coding-DNA position 3623, G replaced by A.
Protein change: p.Arg1208Gln; replaces arginine 1208 with glutamine.
Molecular consequence: missense variant.
Genome position (GRCh38, 1-based): chr19:7,468,967, G>A. VCF-style: chr19-7468967-G-A. GRCh37 (hg19) VCF-style: chr19-7533853-G-A.
Other names: c.2897G>A, p.Arg966Gln (NM_001130955.2); c.2585G>A, p.Arg862Gln (NM_001367824.1, NM_015318.4); short protein forms R1208Q, R966Q, R862Q.
Identifiers: ClinVar variation 1490991 (VCV001490991.7), dbSNP rs772153834, ClinGen allele CA9137199.